The following is an entry in ClinVar:

ClinVar aggregate classification (germline): Benign. Review status: criteria provided, multiple submitters, no conflicts (2 of 4 stars). 9 submissions from 8 submitters: Benign (7). 2 of the submissions do not count toward it. Last evaluated 2026-02-02.

Conditions:
Meckel-Gruber syndrome. Also called: Dysencephalia splachnocystica; DYSENCEPHALIA SPLANCHNOCYSTICA; GRUBER SYNDROME. Identifiers: Orphanet 564, MedGen C0265215, MONDO:0018921.
Joubert syndrome. Also called: CEREBELLOPARENCHYMAL DISORDER IV; JOUBERT-BOLTSHAUSER SYNDROME; Familial aplasia of the vermis. Identifiers: Orphanet 475, MedGen C5979921, MONDO:0018772.
Meckel syndrome, type 1 (MKS1). Also called: MECKEL-GRUBER SYNDROME, TYPE 1. Identifiers: Orphanet 564, MedGen C3714506, MONDO:0009571, OMIM 249000.
Bardet-Biedl syndrome 13 (BBS13). Identifiers: Orphanet 110, MedGen C2673873, MONDO:0014441, OMIM 615990.

Allele frequency attached by ClinVar (database versions not stated): gnomAD exomes 0.00329; ExAC 0.00410; gnomAD 0.01224 and 0.01295; ESP Exome Variant Server 0.01277; TOPMed 0.01356; 1000 Genomes Project 0.01358; 1000 Genomes Project 30x 0.01437.
gnomAD v4.1: 3,683 of 1,610,336 alleles (0.23%); highest among the groups gnomAD compares: African/African-American, 4.1%; 82 homozygotes.

Submissions (9):

Labcorp Genetics (formerly Invitae), Labcorp
Classification: Benign for Joubert syndrome; Meckel-Gruber syndrome. Last evaluated: 2026-02-02. Review status: criteria provided, single submitter. Criteria: Invitae Variant Classification Sherloc (09022015). Collection method: clinical testing. Allele origin: germline.

Mayo Clinic Laboratories, Mayo Clinic
Classification: Benign. Last evaluated: 2021-10-25. Review status: criteria provided, single submitter. Criteria: ACMG Guidelines, 2015. Collection method: clinical testing. Allele origin: germline. Observed: 15 variant alleles.
Comment: BA1, BP4

Illumina Laboratory Services, Illumina
Classification: Benign for Bardet-Biedl syndrome 13. Last evaluated: 2017-04-27. Review status: criteria provided, single submitter. Criteria: ICSL Variant Classification Criteria 13 December 2019. Collection method: clinical testing. Allele origin: germline.
Comment: This variant was observed as part of a predisposition screen in an ostensibly healthy population. A literature search was performed for the gene, cDNA change, and amino acid change (where applicable). No publications were found based on this search. Allele frequency data from public databases was too high to be consistent with this variant causing disease. Therefore, this variant is classified as benign.

Illumina Laboratory Services, Illumina
Classification: Benign for Meckel syndrome, type 1. Last evaluated: 2017-04-27. Review status: criteria provided, single submitter. Criteria: ICSL Variant Classification Criteria 13 December 2019. Collection method: clinical testing. Allele origin: germline.
Comment: This variant was observed as part of a predisposition screen in an ostensibly healthy population. A literature search was performed for the gene, cDNA change, and amino acid change (where applicable). Publications were found based on this search. The evidence from the literature, in combination with allele frequency data from public databases where available, was sufficient to rule this variant out of causing disease. Therefore, this variant is classified as benign.

GeneDx
Classification: Benign. Last evaluated: 2015-03-03. Review status: criteria provided, single submitter. Criteria: GeneDx Variant Classification Process June 2021. Collection method: clinical testing. Allele origin: germline. Affected: yes.

Breakthrough Genomics
Classification: Benign. Review status: criteria provided, single submitter. Criteria: ACMG Guidelines, 2015. Collection method: not provided. Allele origin: germline. Inheritance: Autosomal recessive inheritance. Affected: yes.

PreventionGenetics, part of Exact Sciences
Classification: Benign. Review status: criteria provided, single submitter. Criteria: ACMG Guidelines, 2015. Collection method: clinical testing. Allele origin: germline.

Clinical Genetics DNA and cytogenetics Diagnostics Lab, Erasmus MC, Erasmus Medical Center
Classification: Benign. Review status: no assertion criteria provided. Collection method: clinical testing. Allele origin: germline. Affected: yes. Study: VKGL Data-share Consensus. Not counted in ClinVar's aggregate classification.

Genome Diagnostics Laboratory, University Medical Center Utrecht
Classification: Benign. Review status: no assertion criteria provided. Collection method: clinical testing. Allele origin: germline. Affected: yes. Study: VKGL Data-share Consensus. Not counted in ClinVar's aggregate classification.

Literature cited by the submitters: PubMed 17397051 (cited by Illumina Laboratory Services, Illumina).

NM_017777.4(MKS1):c.1273+11G>A

Gene: MKS1 (MKS transition zone complex subunit 1; minus strand). Cytogenetic location: 17q22.
Variant type: single nucleotide variant.
Coding change: c.1273+11G>A on transcript NM_017777.4 (MANE Select); 11 bases into the intron after coding-DNA position 1273, G replaced by A.
Molecular consequence: intron variant.
Genome position (GRCh38, 1-based): chr17:58,207,883, C>T on the plus strand (G>A on the coding strand, the complement: MKS1 is on the minus strand). VCF-style: chr17-58207883-C-T. GRCh37 (hg19) VCF-style: chr17-56285244-C-T.
Other names: p.?; c.664+11G>A (NM_001321268.2); c.1273+11G>A (NM_001330397.2, NM_001321269.2).
Identifiers: ClinVar variation 260880 (VCV000260880.20), dbSNP rs16942826, ClinGen allele CA8669213.